The following is an entry in ClinVar:

ClinVar aggregate classification (germline): Uncertain significance (1 of 4 stars; one submission).

Conditions:
Klippel-Feil syndrome 1, autosomal dominant (KFS1). Also called: CERVICAL VERTEBRAL FUSION, AUTOSOMAL DOMINANT. Identifiers: Orphanet 2345, MedGen C1861689, MONDO:0007306, OMIM 118100.
Isolated microphthalmia 4. Identifiers: Orphanet 2542, MedGen C2751307, MONDO:0013130, OMIM 613094.
Leber congenital amaurosis 17 (LCA17). Identifiers: Orphanet 65, MedGen C3715164, MONDO:0014145, OMIM 615360.
Microphthalmia, isolated, with coloboma 6 (MCOPCB6). Also called: Microphthalmia with coloboma 6, digenic; Microphthalmia with coloboma 6; MICROPHTHALMIA/COLOBOMA 6. Identifiers: Orphanet 98938, MedGen C3150968, MONDO:0013376, OMIM 613703.

Allele frequency attached by ClinVar (database versions not stated): TOPMed below 0.00001.
gnomAD v4.1: 29 of 1,499,448 alleles (0.0019%); highest among the groups gnomAD compares: Non-Finnish European, 0.0025%; no homozygotes.

Submission:

Labcorp Genetics (formerly Invitae), Labcorp
Classification: Uncertain significance for Isolated microphthalmia 4; Leber congenital amaurosis 17; Klippel-Feil syndrome 1, autosomal dominant; Microphthalmia, isolated, with coloboma 6. Last evaluated: 2025-03-04. Review status: criteria provided, single submitter. Criteria: Invitae Variant Classification Sherloc (09022015). Collection method: clinical testing. Allele origin: germline.
Comment: This sequence change replaces glutamine, which is neutral and polar, with arginine, which is basic and polar, at codon 253 of the GDF6 protein (p.Gln253Arg). This variant is not present in population databases (gnomAD no frequency). This variant has not been reported in the literature in individuals affected with GDF6-related conditions. ClinVar contains an entry for this variant (Variation ID: 964319). Invitae Evidence Modeling of protein sequence and biophysical properties (such as structural, functional, and spatial information, amino acid conservation, physicochemical variation, residue mobility, and thermodynamic stability) indicates that this missense variant is not expected to disrupt GDF6 protein function with a negative predictive value of 80%. In summary, the available evidence is currently insufficient to determine the role of this variant in disease. Therefore, it has been classified as a Variant of Uncertain Significance.

NM_001001557.4(GDF6):c.758A>G (p.Gln253Arg)

Gene: GDF6 (growth differentiation factor 6; minus strand). Cytogenetic location: 8q22.1.
Variant type: single nucleotide variant.
Coding change: c.758A>G on transcript NM_001001557.4 (MANE Select); coding-DNA position 758, A replaced by G.
Protein change: p.Gln253Arg; replaces glutamine 253 with arginine.
Molecular consequence: missense variant.
Genome position (GRCh38, 1-based): chr8:96,145,173, T>C on the plus strand (A>G on the coding strand, the complement: GDF6 is on the minus strand). VCF-style: chr8-96145173-T-C. GRCh37 (hg19) VCF-style: chr8-97157401-T-C.
Other names: short protein forms Q253R.
Identifiers: ClinVar variation 964319 (VCV000964319.9), dbSNP rs121909355, ClinGen allele CA371751927.